The following is an entry in ClinVar:

NM_005188.4(CBL):c.1246T>C (p.Cys416Arg)

Gene: CBL (Cbl proto-oncogene; plus strand). Cytogenetic location: 11q23.3.
Variant type: single nucleotide variant.
Coding change: c.1246T>C on transcript NM_005188.4 (MANE Select); coding-DNA position 1246, T replaced by C.
Protein change: p.Cys416Arg; replaces cysteine 416 with arginine.
Molecular consequence: missense variant.
Genome position (GRCh38, 1-based): chr11:119,278,528, T>C. VCF-style: chr11-119278528-T-C. GRCh37 (hg19) VCF-style: chr11-119149238-T-C.
Other names: c.1246T>C (NM_005188.2); short protein forms C416R.
Identifiers: ClinVar variation 1968690 (VCV001968690.6), dbSNP rs1949907918, ClinGen allele CA382913762.

ClinVar aggregate classification (germline): Conflicting classifications of pathogenicity. Review status: criteria provided, conflicting classifications (1 of 4 stars). 2 submissions from 2 submitters: Likely pathogenic (1); Uncertain significance (1). Last evaluated 2025-04-01.

Conditions:
RASopathy. Also called: rasopathies; Noonan spectrum disorder. Identifiers: Orphanet 536391, MedGen C5555857, MONDO:0021060.

Allele frequency attached by ClinVar (database versions not stated): gnomAD exomes below 0.00001.
gnomAD v4.1: 1 of 1,614,184 alleles (0.000062%); highest among the groups gnomAD compares: Non-Finnish European, 0.000085%; no homozygotes.

Submissions (2):

GeneDx
Classification: Likely pathogenic. Last evaluated: 2025-04-01. Review status: criteria provided, single submitter. Criteria: GeneDx Variant Classification Process June 2021. Collection method: clinical testing. Allele origin: germline. Affected: yes.
Comment: Not observed at significant frequency in large population cohorts (gnomAD); In silico analysis supports that this missense variant has a deleterious effect on protein structure/function; Has not been previously published as pathogenic or benign in association with neurodevelopmental disorders to our knowledge; This variant is associated with the following publications: (PMID: 31943762, 20619386, 22315494, 37945316, 39362468)

Labcorp Genetics (formerly Invitae), Labcorp
Classification: Uncertain significance for RASopathy. Last evaluated: 2022-09-23. Review status: criteria provided, single submitter. Criteria: Invitae Variant Classification Sherloc (09022015). Collection method: clinical testing. Allele origin: germline.
Comment: This variant has not been reported in the literature in individuals affected with CBL-related conditions. Advanced modeling of protein sequence and biophysical properties (such as structural, functional, and spatial information, amino acid conservation, physicochemical variation, residue mobility, and thermodynamic stability) performed at Invitae indicates that this missense variant is expected to disrupt CBL protein function. In summary, the available evidence is currently insufficient to determine the role of this variant in disease. Therefore, it has been classified as a Variant of Uncertain Significance. This sequence change replaces cysteine, which is neutral and slightly polar, with arginine, which is basic and polar, at codon 416 of the CBL protein (p.Cys416Arg). This variant is not present in population databases (gnomAD no frequency).